The following is an entry in ClinVar:

NM_004385.5(VCAN):c.7415C>T (p.Pro2472Leu)

Genes: VCAN (versican; plus strand), VCAN-AS1 (VCAN antisense RNA 1; minus strand). Cytogenetic location: 5q14.3.
Variant type: single nucleotide variant.
Coding change: c.7415C>T on transcript NM_004385.5 (MANE Select); coding-DNA position 7415, C replaced by T.
Protein change: p.Pro2472Leu; replaces proline 2472 with leucine.
Molecular consequence: missense variant. On other transcripts: intron variant (2).
Genome position (GRCh38, 1-based): chr5:83,540,418, C>T. VCF-style: chr5-83540418-C-T. GRCh37 (hg19) VCF-style: chr5-82836237-C-T.
Other names: c.4454C>T, p.Pro1485Leu (NM_001164097.2); c.4004-5119C>T (NM_001164098.2); c.1043-5119C>T (NM_001126336.3); short protein forms P2472L, P1485L.
Identifiers: ClinVar variation 4763510 (VCV004763510.1).

ClinVar aggregate classification (germline): Uncertain significance (1 of 4 stars; one submission).

Submission:

Labcorp Genetics (formerly Invitae), Labcorp
Classification: Uncertain significance. Last evaluated: 2025-09-10. Review status: criteria provided, single submitter. Criteria: Invitae Variant Classification Sherloc (09022015). Collection method: clinical testing. Allele origin: germline.
Comment: This sequence change replaces proline, which is neutral and non-polar, with leucine, which is neutral and non-polar, at codon 2472 of the VCAN protein (p.Pro2472Leu). This variant is present in population databases (rs757055931, gnomAD 0.007%). This variant has not been reported in the literature in individuals affected with VCAN-related conditions. An algorithm developed to predict the effect of missense changes on protein structure and function (PolyPhen-2) suggests that this variant is likely to be tolerated. In summary, the available evidence is currently insufficient to determine the role of this variant in disease. Therefore, it has been classified as a Variant of Uncertain Significance.